The following is an entry in ClinVar:

NM_002439.5(MSH3):c.2814-5del

Gene: MSH3 (mutS homolog 3; plus strand). Cytogenetic location: 5q14.1.
Variant type: Deletion.
Coding change: c.2814-5del on transcript NM_002439.5 (MANE Select); 5 bases into the intron before coding-DNA position 2814, one base deleted (T; older notation c.2814-5delT).
Molecular consequence: intron variant.
Genome position (GRCh38, 1-based): chr5:80,854,125, T deleted; the last of 2 consecutive T bases (chr5:80,854,124-80,854,125); deleting either gives the same sequence. VCF-style (leftmost placement, unchanged base first): chr5-80854123-CT-C. GRCh37 (hg19) VCF-style: chr5-80149942-CT-C.
Other names: c.2814-5del (NM_002439.4).
Identifiers: ClinVar variation 759778 (VCV000759778.14), dbSNP rs1294116781, ClinGen allele CA560769498.
Genomic context (GRCh38, chr5:80,854,123, plus strand): 5'-AAATAATGTTCGGCTTCCTAATAAGAAAGTGAAGAGGAAAATCAAGGTGTTTTCATCTTG[CT>C]TGTAGGATGGGTGCTGCAGACAATATATATAAAGGACAGAGTACATTTATGGAAGAACTG-3'

ClinVar aggregate classification (germline): Conflicting classifications of pathogenicity. Review status: criteria provided, conflicting classifications (1 of 4 stars). 4 submissions from 4 submitters: Uncertain significance (2); Likely benign (2). Last evaluated 2025-12-13.

Conditions:
MSH3-related disorder. Also called: MSH3-related condition.
Hereditary cancer-predisposing syndrome. Also called: Hereditary neoplastic syndrome; Neoplastic Syndromes, Hereditary; Hereditary Cancer Syndrome; Tumor predisposition. Identifiers: Orphanet 140162, MedGen C0027672, MeSH D009386, MONDO:0015356.

Submissions (4):

Labcorp Genetics (formerly Invitae), Labcorp
Classification: Likely benign. Last evaluated: 2025-12-13. Review status: criteria provided, single submitter. Criteria: Invitae Variant Classification Sherloc (09022015). Collection method: clinical testing. Allele origin: germline.

PreventionGenetics, part of Exact Sciences
Classification: Likely benign for MSH3-related condition. Last evaluated: 2025-06-19. Review status: criteria provided, single submitter. Criteria: ACMG Guidelines, 2015. Collection method: clinical testing. Allele origin: germline.
Comment: This variant is classified as likely benign based on ACMG/AMP sequence variant interpretation guidelines (Richards et al. 2015 PMID: 25741868, with internal and published modifications).

GeneDx
Classification: Uncertain significance. Last evaluated: 2024-03-05. Review status: criteria provided, single submitter. Criteria: GeneDx Variant Classification Process June 2021. Collection method: clinical testing. Allele origin: germline. Affected: yes.
Comment: Not observed at significant frequency in large population cohorts (gnomAD); In silico analysis supports that this variant does not alter splicing; Has not been previously published as pathogenic or benign to our knowledge

Sema4
Classification: Uncertain significance for Hereditary cancer-predisposing syndrome. Last evaluated: 2022-02-24. Review status: criteria provided, single submitter. Criteria: Sema4 Curation Guidelines. Collection method: curation. Allele origin: germline.
Comment: The MSH3 c.2814-5delT variant has not been reported in the literature to our knowledge. This variant is not reported in the population database Genome Aggregation Database (PMID: 32461654). The variant has been reported in ClinVar (Variation ID: 759778). The evidence is insufficient to meet ACMG/AMP criteria for classifying the variant as benign or pathogenic. Thus, the clinical significance of this variant is currently uncertain.